The following is an entry in ClinVar:

NM_020376.4(PNPLA2):c.140C>T (p.Ser47Leu)

Genes: PNPLA2 (patatin like domain 2, triacylglycerol lipase; plus strand), LOC130005097 (ATAC-STARR-seq lymphoblastoid silent region 3036; plus strand). Cytogenetic location: 11p15.5.
Variant type: single nucleotide variant.
Coding change: c.140C>T on transcript NM_020376.4 (MANE Select); coding-DNA position 140, C replaced by T.
Protein change: p.Ser47Leu; replaces serine 47 with leucine.
Molecular consequence: missense variant.
Genome position (GRCh38, 1-based): chr11:819,858, C>T. VCF-style: chr11-819858-C-T. GRCh37 (hg19) VCF-style: chr11-819858-C-T.
Other names: short protein forms S47L.
Identifiers: ClinVar variation 4857655 (VCV004857655.1).

ClinVar aggregate classification (germline): Likely pathogenic (1 of 4 stars; one submission).

Conditions:
Neutral lipid storage myopathy (NLSDM). Also called: NEUTRAL LIPID STORAGE DISEASE WITHOUT ICHTHYOSIS. Identifiers: Orphanet 98908, MedGen C1853136, MONDO:0012545, OMIM 610717.

Submission:

Harry Perkins Institute Of Medical Research, University Of Western Australia
Classification: Likely pathogenic for Neutral lipid storage myopathy. Review status: criteria provided, single submitter. Criteria: ACMG Guidelines, 2015. Collection method: research. Allele origin: germline. Inheritance: Autosomal recessive inheritance. Affected: yes.
Comment: The variant has not been described in association with disease and is present in the gnomAD v4.1.0 population variant database at a low frequency (2/1463226), in keeping with a rare recessive allele. It affects an amino acid in a conserved functional domain, in which lipase activity depends on an intact active-site serine and in silico analysis predicts it to be disease causing (PMID: 16150821 ). The variant is observed here in conjunction with a pathogenic variant and is therefore classified as likely pathogenic. (PM2, PM1,PM3 )

Literature cited by the submitters: PubMed 16150821.